The following is an entry in ClinVar:

NM_001376013.1(EPB41):c.1700G>A (p.Gly567Asp)

Gene: EPB41 (erythrocyte membrane protein band 4.1; plus strand). Cytogenetic location: 1p35.3.
Variant type: single nucleotide variant.
Coding change: c.1700G>A on transcript NM_001376013.1 (MANE Select); coding-DNA position 1700, G replaced by A.
Protein change: p.Gly567Asp; replaces glycine 567 with aspartic acid.
Molecular consequence: missense variant.
Genome position (GRCh38, 1-based): chr1:29,053,167, G>A. VCF-style: chr1-29053167-G-A. GRCh37 (hg19) VCF-style: chr1-29379679-G-A.
Other names: p.Gly567Asp; c.1073G>A (NM_004437.3); c.1700G>A, p.Gly567Asp (NM_001166005.2, NM_001166006.2, NM_001376014.1 and 5 more transcripts); c.1073G>A, p.Gly358Asp (NM_001166007.2, NM_001376022.1, NM_001376023.1 and 5 more transcripts); c.1697G>A, p.Gly566Asp (NM_001376018.1, NM_001376020.1); c.1070G>A, p.Gly357Asp (NM_001376026.1, NM_001376028.1); c.1595G>A, p.Gly532Asp (NM_203343.3); c.1700G>A (NM_001166005.1); short protein forms G357D, G358D, G532D, G566D, G567D.
Identifiers: ClinVar variation 1330981 (VCV001330981.49), dbSNP rs138888144, ClinGen allele CA724605.

ClinVar aggregate classification (germline): Conflicting classifications of pathogenicity. Review status: criteria provided, conflicting classifications (1 of 4 stars). 7 submissions from 7 submitters: Uncertain significance (1); Likely benign (5). 1 of the submissions does not count toward it. Last evaluated 2026-03-01.

Conditions:
Elliptocytosis 1 (EL1). Also called: PROTEIN 4.1 OF ERYTHROCYTE MEMBRANE, DEFECT OF; 4.1- TRAIT; 4.1-MINUS TRAIT; ELLIPTOCYTOSIS, RHESUS-LINKED TYPE. Identifiers: Orphanet 288, MedGen C2678497, MONDO:0012731, OMIM 611804.
EPB41-related disorder. Also called: EPB41-related condition.
Inborn genetic diseases. Identifiers: MedGen C0950123, MeSH D030342.

Allele frequency attached by ClinVar (database versions not stated): 1000 Genomes Project 30x 0.00016; 1000 Genomes Project 0.00020; TOPMed 0.00446; gnomAD 0.00464 and 0.00496; gnomAD exomes 0.00497 and 0.00613; ExAC 0.00501; ESP Exome Variant Server 0.00607.
gnomAD v4.1: 9,615 of 1,614,148 alleles (0.6%); highest among the groups gnomAD compares: Middle Eastern, 1.6%; 38 homozygotes.

Submissions (7):

CeGaT Center for Human Genetics Tuebingen
Classification: Likely benign. Last evaluated: 2026-03-01. Review status: criteria provided, single submitter. Criteria: CeGaT Center For Human Genetics Tuebingen Variant Classification Criteria Version 2. Collection method: clinical testing. Allele origin: germline. Affected: yes. Observed: 14 variant alleles.
Comment: EPB41: BP4, BS2

Labcorp Genetics (formerly Invitae), Labcorp
Classification: Likely benign. Last evaluated: 2025-10-13. Review status: criteria provided, single submitter. Criteria: Invitae Variant Classification Sherloc (09022015). Collection method: clinical testing. Allele origin: germline.

Mayo Clinic Laboratories, Mayo Clinic
Classification: Likely benign. Last evaluated: 2025-04-09. Review status: criteria provided, single submitter. Criteria: ACMG Guidelines, 2015. Collection method: clinical testing. Allele origin: germline. Observed: 34 variant alleles.
Comment: BS2, BP4

Ambry Genetics
Classification: Uncertain significance for Inborn genetic diseases. Last evaluated: 2024-04-20. Review status: criteria provided, single submitter. Criteria: Ambry Variant Classification Scheme 2023. Collection method: clinical testing. Allele origin: germline.

ARUP Laboratories, Molecular Genetics and Genomics, ARUP Laboratories
Classification: Likely benign for Elliptocytosis 1. Last evaluated: 2024-04-17. Review status: criteria provided, single submitter. Criteria: ARUP Molecular Germline Variant Investigation Process 2024. Collection method: clinical testing. Allele origin: germline.

Breakthrough Genomics
Classification: Likely benign. Review status: criteria provided, single submitter. Criteria: ACMG Guidelines, 2015. Collection method: not provided. Allele origin: germline. Inheritance: Autosomal dominant inheritance. Affected: yes.

PreventionGenetics, part of Exact Sciences
Classification: Likely benign for EPB41-related condition. Last evaluated: 2020-04-16. Review status: no assertion criteria provided. Collection method: clinical testing. Allele origin: germline. Not counted in ClinVar's aggregate classification.
Comment: This variant is classified as likely benign based on ACMG/AMP sequence variant interpretation guidelines (Richards et al. 2015 PMID: 25741868, with internal and published modifications).